The following is an entry in ClinVar:

NM_000169.3(GLA):c.907A>G (p.Ile303Val)

Genes: GLA (galactosidase alpha; minus strand), RPL36A-HNRNPH2 (RPL36A-HNRNPH2 readthrough; plus strand). Cytogenetic location: Xq22.1.
Variant type: single nucleotide variant.
Coding change: c.907A>G on transcript NM_000169.3 (MANE Select); coding-DNA position 907, A replaced by G.
Protein change: p.Ile303Val; replaces isoleucine 303 with valine.
Molecular consequence: missense variant. On other transcripts: non-coding transcript variant (3), intron variant (2).
Genome position (GRCh38, 1-based): chrX:101,398,462, T>C on the plus strand (A>G on the coding strand, the complement: GLA is on the minus strand). VCF-style: chrX-101398462-T-C. GRCh37 (hg19) VCF-style: chrX-100653450-T-C.
Other names: c.1030A>G, p.Ile344Val (NM_001406747.1); c.907A>G, p.Ile303Val (NM_001406748.1); c.300+3005T>C (NM_001199973.2); c.177+6640T>C (NM_001199974.2); short protein forms I344V, I303V.
Identifiers: ClinVar variation 3664646 (VCV003664646.2).

ClinVar aggregate classification (germline): Uncertain significance (1 of 4 stars; one submission).

Conditions:
Fabry disease. Also called: Fabry's disease; ALPHA-GALACTOSIDASE A DEFICIENCY; ANDERSON-FABRY DISEASE; CERAMIDE TRIHEXOSIDASE DEFICIENCY; GLA DEFICIENCY; HEREDITARY DYSTOPIC LIPIDOSIS. Identifiers: Orphanet 324, MedGen C0002986, MONDO:0010526, OMIM 301500, HP:0001071. Disease mechanism: Fabry disease is due to inactivating mutations in the X-linked GLA gene resulting in deficiency of the enzyme Alpha Galactosidase-A., loss of function.

Submission:

Labcorp Genetics (formerly Invitae), Labcorp
Classification: Uncertain significance for Fabry disease. Last evaluated: 2024-08-20. Review status: criteria provided, single submitter. Criteria: Invitae Variant Classification Sherloc (09022015). Collection method: clinical testing. Allele origin: germline.
Comment: This sequence change replaces isoleucine, which is neutral and non-polar, with valine, which is neutral and non-polar, at codon 303 of the GLA protein (p.Ile303Val). This variant is not present in population databases (gnomAD no frequency). This variant has not been reported in the literature in individuals affected with GLA-related conditions. Invitae Evidence Modeling of protein sequence and biophysical properties (such as structural, functional, and spatial information, amino acid conservation, physicochemical variation, residue mobility, and thermodynamic stability) indicates that this missense variant is not expected to disrupt GLA protein function with a negative predictive value of 80%. This variant disrupts the p.Ile303 amino acid residue in GLA. Other variant(s) that disrupt this residue have been determined to be pathogenic (PMID: 12175777, 29476735). This suggests that this residue is clinically significant, and that variants that disrupt this residue are likely to be disease-causing. In summary, the available evidence is currently insufficient to determine the role of this variant in disease. Therefore, it has been classified as a Variant of Uncertain Significance.

Literature cited by the submitters: PubMed 12175777; PubMed 29476735.